The following is an entry in ClinVar:

ClinVar aggregate classification (germline): Uncertain significance (1 of 4 stars; one submission).

Submission:

GeneDx
Classification: Uncertain significance. Last evaluated: 2024-05-01. Review status: criteria provided, single submitter. Criteria: GeneDx Variant Classification Process June 2021. Collection method: clinical testing. Allele origin: germline. Affected: yes.
Comment: Not observed at significant frequency in large population cohorts (gnomAD); In silico analysis indicates that this missense variant does not alter protein structure/function; Has not been previously published as pathogenic or benign to our knowledge

NM_020812.4(DOCK6):c.86G>A (p.Arg29His)

Gene: DOCK6 (dedicator of cytokinesis 6; minus strand). Cytogenetic location: 19p13.2.
Variant type: single nucleotide variant.
Coding change: c.86G>A on transcript NM_020812.4 (MANE Select); coding-DNA position 86, G replaced by A.
Protein change: p.Arg29His; replaces arginine 29 with histidine.
Molecular consequence: missense variant.
Genome position (GRCh38, 1-based): chr19:11,253,685, C>T on the plus strand (G>A on the coding strand, the complement: DOCK6 is on the minus strand). VCF-style: chr19-11253685-C-T. GRCh37 (hg19) VCF-style: chr19-11364361-C-T.
Other names: c.86G>A, p.Arg29His (NM_001367830.1); short protein forms R29H.
Identifiers: ClinVar variation 3373238 (VCV003373238.1).